The following is an entry in ClinVar:

NM_006648.4(WNK2):c.1595T>G (p.Ile532Ser)

Gene: WNK2 (WNK lysine deficient protein kinase 2; plus strand). Cytogenetic location: 9q22.31.
Variant type: single nucleotide variant.
Coding change: c.1595T>G on transcript NM_006648.4 (MANE Select); coding-DNA position 1595, T replaced by G.
Protein change: p.Ile532Ser; replaces isoleucine 532 with serine.
Molecular consequence: missense variant.
Genome position (GRCh38, 1-based): chr9:93,247,595, T>G. VCF-style: chr9-93247595-T-G. GRCh37 (hg19) VCF-style: chr9-96009877-T-G.
Other names: c.1595T>G, p.Ile532Ser (NM_001282394.3); short protein forms I532S.
Identifiers: ClinVar variation 4842108 (VCV004842108.1).

ClinVar aggregate classification (germline): Uncertain significance (1 of 4 stars; one submission).

Submission:

Ambry Genetics
Classification: Uncertain significance. Last evaluated: 2025-12-24. Review status: criteria provided, single submitter. Criteria: Ambry Variant Classification Scheme 2023. Collection method: clinical testing. Allele origin: germline.
Comment: The p.I532S variant (also known as c.1595T>G), located in coding exon 7 of the WNK2 gene, results from a T to G substitution at nucleotide position 1595. The isoleucine at codon 532 is replaced by serine, an amino acid with dissimilar properties. This amino acid position is conserved. In addition, this alteration is predicted to be deleterious by in silico analysis. Based on the available evidence, the clinical significance of this variant remains unclear.